The following is an entry in ClinVar:

NC_000022.11:g.(?_41151813)_(41152370_?)del

Gene: EP300 (EP300 lysine acetyltransferase; plus strand). Cytogenetic location: 22q13.2.
Variant type: Deletion.
Identifiers: ClinVar variation 831260 (VCV000831260.8).

ClinVar aggregate classification (germline): Pathogenic. Review status: criteria provided, single submitter (1 of 4 stars). 2 submissions from 1 submitter: Pathogenic (2). Last evaluated 2019-04-22.

Conditions:
Rubinstein-Taybi syndrome due to EP300 haploinsufficiency. Also called: EP300-Related Rubinstein-Taybi Syndrome; RUBINSTEIN-TAYBI SYNDROME 2. Identifiers: Orphanet 353284, Orphanet 783, MedGen C3150941, MONDO:0013364, OMIM 613684.
Colorectal cancer. Also called: Colorectal cancer, somatic; Malignant Colorectal Neoplasm. Identifiers: MedGen C0346629, MONDO:0005575, OMIM 114500.

Submissions (2):

Labcorp Genetics (formerly Invitae), Labcorp
Classification: Pathogenic for Rubinstein-Taybi syndrome 2; Colorectal cancer. Last evaluated: 2019-04-22. Review status: criteria provided, single submitter. Criteria: Invitae Variant Classification Sherloc (09022015). Collection method: clinical testing. Allele origin: germline.
Comment: This variant is an out-of-frame deletion of the genomic region encompassing exons 15-16 of the EP300 gene. This is expected to create a premature translational stop signal and result in an absent or disrupted protein product. This variant has not been reported in the literature in individuals with EP300-related conditions. Loss-of-function variants in EP300 are known to be pathogenic (PMID: 15706485, 24476420). For these reasons, this variant has been classified as Pathogenic.

Labcorp Genetics (formerly Invitae), Labcorp
Classification: Pathogenic for Rubinstein-Taybi syndrome due to EP300 haploinsufficiency. Last evaluated: 2019-04-16. Review status: criteria provided, single submitter. Criteria: Invitae Variant Classification Sherloc (09022015). Collection method: clinical testing. Allele origin: germline.
Comment: For these reasons, this variant has been classified as Pathogenic. Loss-of-function variants in EP300 are known to be pathogenic (PMID: 15706485, 24476420). This variant has not been reported in the literature in individuals with EP300-related conditions. This variant is an out-of-frame deletion of the genomic region encompassing exons 15-16 of the EP300 gene. This is expected to create a premature translational stop signal and result in an absent or disrupted protein product.

Literature cited by the submitters: PubMed 15706485; PubMed 24476420.